The following is an entry in ClinVar:

ClinVar aggregate classification (germline): Likely benign. Review status: criteria provided, multiple submitters, no conflicts (2 of 4 stars). 2 submissions from 2 submitters: Likely benign (2). Last evaluated 2025-01-13.

Conditions:
ACADS-related disorder. Also called: ACADS-related condition.
Deficiency of butyryl-CoA dehydrogenase (ACADSD). Also called: ACADS DEFICIENCY; Short-Chain Acyl-CoA Dehydrogenase Deficiency; SCAD DEFICIENCY, MILD; SCADH DEFICIENCY; ACYL-CoA DEHYDROGENASE, SHORT-CHAIN, DEFICIENCY OF; SCAD Deficiency. Identifiers: Orphanet 26792, MedGen C0342783, MONDO:0008722, OMIM 201470. Disease mechanism: May be benign.

gnomAD v4.1: 7 of 1,613,150 alleles (0.00043%); highest among the groups gnomAD compares: Middle Eastern, 0.017%; no homozygotes.

Submissions (2):

PreventionGenetics, part of Exact Sciences
Classification: Likely benign for ACADS-related condition. Last evaluated: 2025-01-13. Review status: criteria provided, single submitter. Criteria: ACMG Guidelines, 2015. Collection method: clinical testing. Allele origin: germline.
Comment: This variant is classified as likely benign based on ACMG/AMP sequence variant interpretation guidelines (Richards et al. 2015 PMID: 25741868, with internal and published modifications).

Labcorp Genetics (formerly Invitae), Labcorp
Classification: Likely benign for Deficiency of butyryl-CoA dehydrogenase. Last evaluated: 2022-12-05. Review status: criteria provided, single submitter. Criteria: Invitae Variant Classification Sherloc (09022015). Collection method: clinical testing. Allele origin: germline.

NM_000017.4(ACADS):c.361-10G>C

Gene: ACADS (acyl-CoA dehydrogenase short chain; plus strand). Cytogenetic location: 12q24.31.
Variant type: single nucleotide variant.
Coding change: c.361-10G>C on transcript NM_000017.4 (MANE Select); 10 bases into the intron before coding-DNA position 361, G replaced by C.
Molecular consequence: intron variant.
Genome position (GRCh38, 1-based): chr12:120,737,346, G>C. VCF-style: chr12-120737346-G-C. GRCh37 (hg19) VCF-style: chr12-121175149-G-C.
Other names: c.361-10G>C (NM_001302554.2, NM_000017.3).
Identifiers: ClinVar variation 2980980 (VCV002980980.4), dbSNP rs1592939695, ClinGen allele CA2067553647.